The following is an entry in ClinVar:

NM_001165963.4(SCN1A):c.3450C>T (p.Ser1150=)

Genes: SCN1A (sodium voltage-gated channel alpha subunit 1; minus strand), LOC102724058 (uncharacterized LOC102724058; plus strand). Cytogenetic location: 2q24.3.
Variant type: single nucleotide variant.
Coding change: c.3450C>T on transcript NM_001165963.4 (MANE Select); coding-DNA position 3450, C replaced by T.
Protein change: p.Ser1150=; no amino-acid change (serine 1150 retained).
Molecular consequence: synonymous variant. On other transcripts: non-coding transcript variant (2).
Genome position (GRCh38, 1-based): chr2:166,015,707, G>A on the plus strand (C>T on the coding strand, the complement: SCN1A is on the minus strand). VCF-style: chr2-166015707-G-A. GRCh37 (hg19) VCF-style: chr2-166872217-G-A.
Other names: c.3366C>T, p.Ser1122= (NM_001165964.3, NM_001353957.2, NM_001353958.2); c.3450C>T, p.Ser1150= (NM_001202435.3, NM_001353948.2); c.3417C>T, p.Ser1139= (NM_001353949.2, NM_001353950.2, NM_001353951.2 and 2 more transcripts); c.3414C>T, p.Ser1138= (NM_001353954.2, NM_001353955.2); c.3363C>T, p.Ser1121= (NM_001353960.2); c.1008C>T, p.Ser336= (NM_001353961.2).
Identifiers: ClinVar variation 167640 (VCV000167640.15), dbSNP rs727504137, ClinGen allele CA234852.

ClinVar aggregate classification (germline): Likely benign. Review status: criteria provided, multiple submitters, no conflicts (2 of 4 stars). 3 submissions from 3 submitters: Likely benign (3). Last evaluated 2025-02-26.

Conditions:
Early-infantile DEE. Also called: Ohtahara syndrome; Early infantile epileptic encephalopathy with suppression bursts; Early infantile epileptic encephalopathy. Identifiers: Orphanet 1934, MedGen C0393706, MONDO:0800491.

Allele frequency attached by ClinVar (database versions not stated): ExAC 0.00001; gnomAD exomes 0.00001; gnomAD 0.00002 and 0.00003; TOPMed 0.00002.
gnomAD v4.1: 15 of 1,612,712 alleles (0.00093%); highest among the groups gnomAD compares: African/African-American, 0.0013%; no homozygotes.

Submissions (3):

Labcorp Genetics (formerly Invitae), Labcorp
Classification: Likely benign for Early-infantile DEE. Last evaluated: 2025-02-26. Review status: criteria provided, single submitter. Criteria: Invitae Variant Classification Sherloc (09022015). Collection method: clinical testing. Allele origin: germline.

GeneDx
Classification: Likely benign. Last evaluated: 2017-11-30. Review status: criteria provided, single submitter. Criteria: GeneDx Variant Classification (06012015). Collection method: clinical testing. Allele origin: germline. Affected: yes.
Comment: This variant is considered likely benign or benign based on one or more of the following criteria: it is a conservative change, it occurs at a poorly conserved position in the protein, it is predicted to be benign by multiple in silico algorithms, and/or has population frequency not consistent with disease.

Eurofins Ntd Llc (ga)
Classification: Likely benign. Last evaluated: 2015-11-24. Review status: criteria provided, single submitter. Criteria: EGL Classification Definitions 2015. Collection method: clinical testing. Allele origin: germline. Observed: 2 variant alleles, 2 heterozygotes.